The following is an entry in ClinVar:

NM_020433.5(JPH2):c.1802C>T (p.Thr601Ile)

Gene: JPH2 (junctophilin 2; minus strand). Cytogenetic location: 20q13.12.
Variant type: single nucleotide variant.
Coding change: c.1802C>T on transcript NM_020433.5 (MANE Select); coding-DNA position 1802, C replaced by T.
Protein change: p.Thr601Ile; replaces threonine 601 with isoleucine.
Molecular consequence: missense variant.
Genome position (GRCh38, 1-based): chr20:44,115,873, G>A on the plus strand (C>T on the coding strand, the complement: JPH2 is on the minus strand). VCF-style: chr20-44115873-G-A. GRCh37 (hg19) VCF-style: chr20-42744513-G-A.
Other names: short protein forms T601I.
Identifiers: ClinVar variation 3227381 (VCV003227381.1), dbSNP rs2515717864, ClinGen allele CA409099900.

ClinVar aggregate classification (germline): Uncertain significance (1 of 4 stars; one submission).

Conditions:
Cardiovascular phenotype. Identifiers: MedGen CN230736.

Allele frequency attached by ClinVar (database versions not stated): gnomAD exomes below 0.00001.
gnomAD v4.1: 1 of 1,585,122 alleles (0.000063%); highest among the groups gnomAD compares: Non-Finnish European, 0.000085%; no homozygotes.

Submission:

Ambry Genetics
Classification: Uncertain significance for Cardiovascular phenotype. Last evaluated: 2023-10-10. Review status: criteria provided, single submitter. Criteria: Ambry Variant Classification Scheme 2023. Collection method: clinical testing. Allele origin: germline.
Comment: The p.T601I variant (also known as c.1802C>T), located in coding exon 4 of the JPH2 gene, results from a C to T substitution at nucleotide position 1802. The threonine at codon 601 is replaced by isoleucine, an amino acid with similar properties. This amino acid position is conserved. In addition, this alteration is predicted to be tolerated by in silico analysis. Since supporting evidence is limited at this time, the clinical significance of this alteration remains unclear.